The following is an entry in ClinVar:

NM_000293.3(PHKB):c.134T>A (p.Leu45His)

Gene: PHKB (phosphorylase kinase regulatory subunit beta; plus strand). Cytogenetic location: 16q12.1.
Variant type: single nucleotide variant.
Coding change: c.134T>A on transcript NM_000293.3 (MANE Select); coding-DNA position 134, T replaced by A.
Protein change: p.Leu45His; replaces leucine 45 with histidine.
Molecular consequence: missense variant.
Genome position (GRCh38, 1-based): chr16:47,497,456, T>A. VCF-style: chr16-47497456-T-A. GRCh37 (hg19) VCF-style: chr16-47531367-T-A.
Other names: c.113T>A, p.Leu38His (NM_001031835.3); c.134T>A, p.Leu45His (NM_001363837.1); short protein forms L45H, L38H.
Identifiers: ClinVar variation 493180 (VCV000493180.45), dbSNP rs762053276, ClinGen allele CA8040377.

ClinVar aggregate classification (germline): Uncertain significance. Review status: criteria provided, multiple submitters, no conflicts (2 of 4 stars). 2 submissions from 2 submitters: Uncertain significance (2). Last evaluated 2024-10-07.

Conditions:
Glycogen storage disease IXb (GSD9B). Also called: GLYCOGENOSIS OF LIVER AND MUSCLE, AUTOSOMAL RECESSIVE; GSD IXb; PHOSPHORYLASE KINASE DEFICIENCY OF LIVER AND MUSCLE, AUTOSOMAL RECESSIVE. Identifiers: Orphanet 79240, MedGen C0543514, MONDO:0009868, OMIM 261750.

Allele frequency attached by ClinVar (database versions not stated): TOPMed 0.00001; gnomAD 0.00002; gnomAD exomes 0.00002 and 0.00004; ExAC 0.00003.
gnomAD v4.1: 39 of 1,609,454 alleles (0.0024%); highest among the groups gnomAD compares: Middle Eastern, 0.066%; 1 homozygote.

Submissions (2):

Labcorp Genetics (formerly Invitae), Labcorp
Classification: Uncertain significance for Glycogen storage disease IXb. Last evaluated: 2024-10-07. Review status: criteria provided, single submitter. Criteria: Invitae Variant Classification Sherloc (09022015). Collection method: clinical testing. Allele origin: germline.
Comment: This sequence change replaces leucine, which is neutral and non-polar, with histidine, which is basic and polar, at codon 45 of the PHKB protein (p.Leu45His). This variant is present in population databases (rs762053276, gnomAD 0.01%). This missense change has been observed in individual(s) with clinical features of PHKB-related conditions (PMID: 33782433). ClinVar contains an entry for this variant (Variation ID: 493180). An algorithm developed to predict the effect of missense changes on protein structure and function (PolyPhen-2) suggests that this variant is likely to be disruptive. In summary, the available evidence is currently insufficient to determine the role of this variant in disease. Therefore, it has been classified as a Variant of Uncertain Significance.

CeGaT Center for Human Genetics Tuebingen
Classification: Uncertain significance. Last evaluated: 2018-11-01. Review status: criteria provided, single submitter. Criteria: CeGaT Center For Human Genetics Tuebingen Variant Classification Criteria Version 2. Collection method: clinical testing. Allele origin: germline. Affected: yes. Observed: 3 variant alleles.

Literature cited by the submitters: PubMed 33782433 (cited by Labcorp Genetics (formerly Invitae), Labcorp).